The following is an entry in ClinVar:

ClinVar aggregate classification (germline): Uncertain significance. Review status: criteria provided, multiple submitters, no conflicts (2 of 4 stars). 2 submissions from 2 submitters: Uncertain significance (2). Last evaluated 2023-04-06.

gnomAD v4.1: 7 of 1,531,380 alleles (0.00046%); highest among the groups gnomAD compares: East Asian, 0.012%; no homozygotes.

Submissions (2):

Labcorp Genetics (formerly Invitae), Labcorp
Classification: Uncertain significance. Last evaluated: 2023-04-06. Review status: criteria provided, single submitter. Criteria: Invitae Variant Classification Sherloc (09022015). Collection method: clinical testing. Allele origin: germline.
Comment: This variant has not been reported in the literature in individuals affected with NUP133-related conditions. ClinVar contains an entry for this variant (Variation ID: 2349316). An algorithm developed to predict the effect of missense changes on protein structure and function (PolyPhen-2) suggests that this variant is likely to be tolerated. In summary, the available evidence is currently insufficient to determine the role of this variant in disease. Therefore, it has been classified as a Variant of Uncertain Significance. This sequence change replaces alanine, which is neutral and non-polar, with threonine, which is neutral and polar, at codon 5 of the NUP133 protein (p.Ala5Thr). The frequency data for this variant in the population databases is considered unreliable, as metrics indicate poor data quality at this position in the gnomAD database.

Ambry Genetics
Classification: Uncertain significance. Last evaluated: 2021-07-06. Review status: criteria provided, single submitter. Criteria: Ambry Variant Classification Scheme 2023. Collection method: clinical testing. Allele origin: germline.

NM_018230.3(NUP133):c.13G>A (p.Ala5Thr)

Genes: NUP133 (nucleoporin 133; minus strand), LOC129932732 (ATAC-STARR-seq lymphoblastoid silent region 1931; plus strand). Cytogenetic location: 1q42.13.
Variant type: single nucleotide variant.
Coding change: c.13G>A on transcript NM_018230.3 (MANE Select); coding-DNA position 13, G replaced by A.
Protein change: p.Ala5Thr; replaces alanine 5 with threonine.
Molecular consequence: missense variant.
Genome position (GRCh38, 1-based): chr1:229,508,237, C>T on the plus strand (G>A on the coding strand, the complement: NUP133 is on the minus strand). VCF-style: chr1-229508237-C-T. GRCh37 (hg19) VCF-style: chr1-229643984-C-T.
Other names: short protein forms A5T.
Identifiers: ClinVar variation 2349316 (VCV002349316.5), dbSNP rs772323395, ClinGen allele CA1443976.